The following is an entry in ClinVar:

ClinVar aggregate classification (germline): Uncertain significance (1 of 4 stars; one submission).

Conditions:
Familial temporal lobe epilepsy 7. Identifiers: Orphanet 101046, MedGen C4225327, MONDO:0014639, OMIM 616436.
Norman-Roberts syndrome (LIS2). Also called: Lissencephaly 2 (Norman-Roberts type). Identifiers: Orphanet 89844, MedGen C0796089, MONDO:0009760, OMIM 257320.

Allele frequency attached by ClinVar (database versions not stated): gnomAD exomes below 0.00001.
gnomAD v4.1: 1 of 1,614,156 alleles (0.000062%); highest among the groups gnomAD compares: Non-Finnish European, 0.000085%; no homozygotes.

Submission:

Labcorp Genetics (formerly Invitae), Labcorp
Classification: Uncertain significance for Familial temporal lobe epilepsy 7; Norman-Roberts syndrome. Last evaluated: 2024-09-05. Review status: criteria provided, single submitter. Criteria: Invitae Variant Classification Sherloc (09022015). Collection method: clinical testing. Allele origin: germline.
Comment: This sequence change replaces serine, which is neutral and polar, with cysteine, which is neutral and slightly polar, at codon 2251 of the RELN protein (p.Ser2251Cys). This variant is not present in population databases (gnomAD no frequency). This variant has not been reported in the literature in individuals affected with RELN-related conditions. ClinVar contains an entry for this variant (Variation ID: 1521738). Invitae Evidence Modeling of protein sequence and biophysical properties (such as structural, functional, and spatial information, amino acid conservation, physicochemical variation, residue mobility, and thermodynamic stability) indicates that this missense variant is not expected to disrupt RELN protein function with a negative predictive value of 80%. In summary, the available evidence is currently insufficient to determine the role of this variant in disease. Therefore, it has been classified as a Variant of Uncertain Significance.

NM_005045.4(RELN):c.6752C>G (p.Ser2251Cys)

Gene: RELN (reelin; minus strand). Cytogenetic location: 7q22.1.
Variant type: single nucleotide variant.
Coding change: c.6752C>G on transcript NM_005045.4 (MANE Select); coding-DNA position 6752, C replaced by G.
Protein change: p.Ser2251Cys; replaces serine 2251 with cysteine.
Molecular consequence: missense variant.
Genome position (GRCh38, 1-based): chr7:103,540,375, G>C on the plus strand (C>G on the coding strand, the complement: RELN is on the minus strand). VCF-style: chr7-103540375-G-C. GRCh37 (hg19) VCF-style: chr7-103180822-G-C.
Other names: c.6752C>G, p.Ser2251Cys (NM_173054.3); short protein forms S2251C.
Identifiers: ClinVar variation 1521738 (VCV001521738.6), dbSNP rs2117129658, ClinGen allele CA368770032.